The following is an entry in ClinVar:

NM_006180.6(NTRK2):c.1159+3_1159+6del

Gene: NTRK2 (neurotrophic receptor tyrosine kinase 2; plus strand). Cytogenetic location: 9q21.33.
Variant type: Deletion.
Coding change: c.1159+3_1159+6del on transcript NM_006180.6 (MANE Select); bases 3 to 6 of the intron after coding-DNA position 1159, 4 bases deleted (GAGT; older notation c.1159+3_1159+6delGAGT).
Molecular consequence: splice donor variant.
Genome position (GRCh38, 1-based): chr9:84,727,962-84,727,965, GAGT deleted; deleting any 4 consecutive bases within chr9:84,727,960-84,727,965 gives the same sequence; the c. name uses the placement nearest the transcript's 3' end. VCF-style (leftmost placement, unchanged base first): chr9-84727959-GGTGA-G. GRCh37 (hg19) VCF-style: chr9-87342874-GGTGA-G.
Other names: c.1159+3_1159+6del (NM_001369532.1, NM_001369533.1, NM_001018066.3 and 16 more transcripts); c.1120+3_1120+6del (NM_001291937.2, NM_001369546.1); c.691+3_691+6del (NM_001369536.1, NM_001369535.1, NM_001369550.1 and 2 more transcripts).
Identifiers: ClinVar variation 3901693 (VCV003901693.1).

ClinVar aggregate classification (germline): Uncertain significance (1 of 4 stars; one submission).

Submission:

GeneDx
Classification: Uncertain significance. Last evaluated: 2024-12-03. Review status: criteria provided, single submitter. Criteria: GeneDx Variant Classification Process June 2021. Collection method: clinical testing. Allele origin: germline. Affected: yes.
Comment: Not observed at significant frequency in large population cohorts (gnomAD); In silico analysis is inconclusive as to whether the variant alters gene splicing. In the absence of RNA/functional studies, the actual effect of this sequence change is unknown.; Has not been previously published as pathogenic or benign to our knowledge